The following is an entry in ClinVar:

NM_001367721.1(CASK):c.2237-2A>G

Gene: CASK (calcium/calmodulin dependent serine protein kinase; minus strand). Cytogenetic location: Xp11.4.
Variant type: single nucleotide variant.
Coding change: c.2237-2A>G on transcript NM_001367721.1 (MANE Select); the canonical splice acceptor site of the intron before coding-DNA position 2237, A replaced by G.
Molecular consequence: splice acceptor variant.
Genome position (GRCh38, 1-based): chrX:41,534,788, T>C on the plus strand (A>G on the coding strand, the complement: CASK is on the minus strand). VCF-style: chrX-41534788-T-C. GRCh37 (hg19) VCF-style: chrX-41394041-T-C.
Other names: c.2150-2A>G (NM_001126055.3); c.2219-2A>G (NM_001410745.1); c.2153-2A>G (NM_001126054.3); c.2222-2A>G (NM_003688.4).
Identifiers: ClinVar variation 1473691 (VCV001473691.6), dbSNP rs2147095994, ClinGen allele CA412991699.

ClinVar aggregate classification (germline): Likely pathogenic (1 of 4 stars; one submission).

Conditions:
Intellectual disability, CASK-related, X-linked. Identifiers: MedGen CN043158.

Submission:

Labcorp Genetics (formerly Invitae), Labcorp
Classification: Likely pathogenic for Intellectual disability, CASK-related, X-linked. Last evaluated: 2021-07-18. Review status: criteria provided, single submitter. Criteria: Invitae Variant Classification Sherloc (09022015). Collection method: clinical testing. Allele origin: germline.
Comment: In summary, the currently available evidence indicates that the variant is pathogenic, but additional data are needed to prove that conclusively. Therefore, this variant has been classified as Likely Pathogenic. Algorithms developed to predict the effect of sequence changes on RNA splicing suggest that this variant may disrupt the consensus splice site. This variant has not been reported in the literature in individuals affected with CASK-related conditions. This variant is not present in population databases (ExAC no frequency). This sequence change affects an acceptor splice site in intron 23 of the CASK gene. It is expected to disrupt RNA splicing. Variants that disrupt the donor or acceptor splice site typically lead to a loss of protein function (PMID: 16199547), and loss-of-function variants in CASK are known to be pathogenic (PMID: 19165920, 20029458, 21954287, 22452838, 22709267).

Literature cited by the submitters: PubMed 16199547; PubMed 19165920; PubMed 20029458; PubMed 21954287; PubMed 22452838; PubMed 22709267.